The following is an entry in ClinVar:

ClinVar aggregate classification (germline): Uncertain significance (1 of 4 stars; one submission).

Submission:

Labcorp Genetics (formerly Invitae), Labcorp
Classification: Uncertain significance. Last evaluated: 2025-08-06. Review status: criteria provided, single submitter. Criteria: Invitae Variant Classification Sherloc (09022015). Collection method: clinical testing. Allele origin: germline.
Comment: This sequence change replaces valine, which is neutral and non-polar, with glycine, which is neutral and non-polar, at codon 483 of the SRCAP protein (p.Val483Gly). This variant is not present in population databases (gnomAD no frequency). This variant has not been reported in the literature in individuals affected with SRCAP-related conditions. Invitae Evidence Modeling of protein sequence and biophysical properties (such as structural, functional, and spatial information, amino acid conservation, physicochemical variation, residue mobility, and thermodynamic stability) indicates that this missense variant is not expected to disrupt SRCAP protein function with a negative predictive value of 80%. In summary, the available evidence is currently insufficient to determine the role of this variant in disease. Therefore, it has been classified as a Variant of Uncertain Significance.

NM_006662.3(SRCAP):c.1448T>G (p.Val483Gly)

Gene: SRCAP (Snf2 related CREBBP activator protein; plus strand). Cytogenetic location: 16p11.2.
Variant type: single nucleotide variant.
Coding change: c.1448T>G on transcript NM_006662.3 (MANE Select); coding-DNA position 1448, T replaced by G.
Protein change: p.Val483Gly; replaces valine 483 with glycine.
Molecular consequence: missense variant.
Genome position (GRCh38, 1-based): chr16:30,711,700, T>G. VCF-style: chr16-30711700-T-G. GRCh37 (hg19) VCF-style: chr16-30723021-T-G.
Other names: short protein forms V483G.
Identifiers: ClinVar variation 4778579 (VCV004778579.1).